The following is an entry in ClinVar:

ClinVar aggregate classification (germline): Uncertain significance. Review status: criteria provided, multiple submitters, no conflicts (2 of 4 stars). 2 submissions from 2 submitters: Uncertain significance (2). Last evaluated 2025-08-12.

Conditions:
Nephronophthisis 16 (NPHP16). Identifiers: Orphanet 655, MedGen C3809320, MONDO:0014158, OMIM 615382.
Inborn genetic diseases. Identifiers: MedGen C0950123, MeSH D030342.

Allele frequency attached by ClinVar (database versions not stated): TOPMed below 0.00001.

Submissions (2):

Ambry Genetics
Classification: Uncertain significance for Inborn genetic diseases. Last evaluated: 2025-08-12. Review status: criteria provided, single submitter. Criteria: Ambry Variant Classification Scheme 2023. Collection method: clinical testing. Allele origin: germline.

Labcorp Genetics (formerly Invitae), Labcorp
Classification: Uncertain significance for Nephronophthisis 16. Last evaluated: 2022-02-24. Review status: criteria provided, single submitter. Criteria: Invitae Variant Classification Sherloc (09022015). Collection method: clinical testing. Allele origin: germline.
Comment: In summary, the available evidence is currently insufficient to determine the role of this variant in disease. Therefore, it has been classified as a Variant of Uncertain Significance. Algorithms developed to predict the effect of missense changes on protein structure and function (SIFT, PolyPhen-2, Align-GVGD) all suggest that this variant is likely to be tolerated. This variant has not been reported in the literature in individuals affected with ANKS6-related conditions. This variant is not present in population databases (gnomAD no frequency). This sequence change replaces serine, which is neutral and polar, with arginine, which is basic and polar, at codon 719 of the ANKS6 protein (p.Ser719Arg).

NM_173551.5(ANKS6):c.2157C>A (p.Ser719Arg)

Gene: ANKS6 (ankyrin repeat and sterile alpha motif domain containing 6; minus strand). Cytogenetic location: 9q22.33.
Variant type: single nucleotide variant.
Coding change: c.2157C>A on transcript NM_173551.5 (MANE Select); coding-DNA position 2157, C replaced by A.
Protein change: p.Ser719Arg; replaces serine 719 with arginine.
Molecular consequence: missense variant.
Genome position (GRCh38, 1-based): chr9:98,756,589, G>T on the plus strand (C>A on the coding strand, the complement: ANKS6 is on the minus strand). VCF-style: chr9-98756589-G-T. GRCh37 (hg19) VCF-style: chr9-101518871-G-T.
Other names: c.2157C>A (NM_173551.3); short protein forms S719R.
Identifiers: ClinVar variation 2103070 (VCV002103070.5), dbSNP rs1832721546, ClinGen allele CA374214326.